The following is an entry in ClinVar:

ClinVar aggregate classification (germline): Uncertain significance (1 of 4 stars; one submission).

Allele frequency attached by ClinVar (database versions not stated): gnomAD exomes below 0.00001.
gnomAD v4.1: 4 of 1,614,228 alleles (0.00025%); highest among the groups gnomAD compares: Non-Finnish European, 0.00034%; no homozygotes.

Submission:

Labcorp Genetics (formerly Invitae), Labcorp
Classification: Uncertain significance. Last evaluated: 2023-07-10. Review status: criteria provided, single submitter. Criteria: Invitae Variant Classification Sherloc (09022015). Collection method: clinical testing. Allele origin: germline.
Comment: This sequence change replaces lysine, which is basic and polar, with glutamic acid, which is acidic and polar, at codon 65 of the NDUFB9 protein (p.Lys65Glu). This variant is not present in population databases (gnomAD no frequency). This variant has not been reported in the literature in individuals affected with NDUFB9-related conditions. An algorithm developed to predict the effect of missense changes on protein structure and function (PolyPhen-2) suggests that this variant is likely to be tolerated. In summary, the available evidence is currently insufficient to determine the role of this variant in disease. Therefore, it has been classified as a Variant of Uncertain Significance.

NM_005005.3(NDUFB9):c.193A>G (p.Lys65Glu)

Gene: NDUFB9 (NADH:ubiquinone oxidoreductase subunit B9; plus strand). Cytogenetic location: 8q24.13.
Variant type: single nucleotide variant.
Coding change: c.193A>G on transcript NM_005005.3 (MANE Select); coding-DNA position 193, A replaced by G.
Protein change: p.Lys65Glu; replaces lysine 65 with glutamic acid.
Molecular consequence: missense variant.
Genome position (GRCh38, 1-based): chr8:124,543,178, A>G. VCF-style: chr8-124543178-A-G. GRCh37 (hg19) VCF-style: chr8-125555419-A-G.
Other names: c.25A>G, p.Lys9Glu (NM_001278645.2); c.64A>G, p.Lys22Glu (NM_001278646.2); c.160A>G, p.Lys54Glu (NM_001311168.2); short protein forms K65E, K22E, K54E, K9E.
Identifiers: ClinVar variation 2801899 (VCV002801899.3), dbSNP rs2537399907, ClinGen allele CA372172659.